The following is an entry in ClinVar:

ClinVar aggregate classification (germline): Likely pathogenic (1 of 4 stars; one submission).

Conditions:
Developmental delay with or without intellectual impairment or behavioral abnormalities. Identifiers: MedGen C5562004, MONDO:0859199, OMIM 619575.

Submission:

Molecular Genetics Laboratory, Motol Hospital
Classification: Likely pathogenic for Developmental delay with or without intellectual impairment or behavioral abnormalities. Last evaluated: 2024-12-06. Review status: criteria provided, single submitter. Criteria: ACMG Guidelines, 2015. Collection method: clinical testing. Allele origin: de novo. Affected: yes. Observed: 1 variant allele.
Comment: The variant was confirmed to be of a de novo origin. Rare missense variants affecting the TAOK1 gene are documented as a molecular cause of autosomal dominant "developmental delay with or without intellectual impairment or behavioral abnormalities" (DDIB, OMIM:619575) (PMID:35928450;33565190;31230721). To conclude, the variant is classified as likely pathogenic (ACMG PS2, PM2, PP2, PP3).

Literature cited by the submitters: PubMed 35928450; PubMed 33565190; PubMed 31230721.

NM_020791.4(TAOK1):c.770T>C (p.Phe257Ser)

Gene: TAOK1 (TAO kinase 1; plus strand). Cytogenetic location: 17q11.2.
Variant type: single nucleotide variant.
Coding change: c.770T>C on transcript NM_020791.4 (MANE Select); coding-DNA position 770, T replaced by C.
Protein change: p.Phe257Ser; replaces phenylalanine 257 with serine.
Molecular consequence: missense variant.
Genome position (GRCh38, 1-based): chr17:29,491,804, T>C. VCF-style: chr17-29491804-T-C. GRCh37 (hg19) VCF-style: chr17-27818822-T-C.
Other names: c.770T>C, p.Phe257Ser (NM_025142.1); short protein forms F257S.
Identifiers: ClinVar variation 3383963 (VCV003383963.2).